The following is an entry in ClinVar:

NM_030632.3(ASXL3):c.6395A>C (p.Lys2132Thr)

Gene: ASXL3 (ASXL transcriptional regulator 3; plus strand). Cytogenetic location: 18q12.1.
Variant type: single nucleotide variant.
Coding change: c.6395A>C on transcript NM_030632.3 (MANE Select); coding-DNA position 6395, A replaced by C.
Protein change: p.Lys2132Thr; replaces lysine 2132 with threonine.
Molecular consequence: missense variant.
Genome position (GRCh38, 1-based): chr18:33,746,243, A>C. VCF-style: chr18-33746243-A-C. GRCh37 (hg19) VCF-style: chr18-31326207-A-C.
Other names: c.6395A>C (NM_030632.1); short protein forms K2132T.
Identifiers: ClinVar variation 2430021 (VCV002430021.26), dbSNP rs371396698, ClinGen allele CA8934643.

ClinVar aggregate classification (germline): Likely benign. Review status: criteria provided, multiple submitters, no conflicts (2 of 4 stars). 3 submissions from 3 submitters: Likely benign (3). Last evaluated 2025-03-16.

Conditions:
Inborn genetic diseases. Identifiers: MedGen C0950123, MeSH D030342.
Autism spectrum disorder. Also called: Autism spectrum disorders. Identifiers: MedGen C1510586, MeSH D000067877, MONDO:0005258.

Allele frequency attached by ClinVar (database versions not stated): gnomAD 0.00003; TOPMed 0.00003; ExAC 0.00005; gnomAD exomes 0.00005; ESP Exome Variant Server 0.00008.
gnomAD v4.1: 74 of 1,613,878 alleles (0.0046%); highest among the groups gnomAD compares: Non-Finnish European, 0.0056%; no homozygotes.

Submissions (3):

Ambry Genetics
Classification: Likely benign for Inborn genetic diseases. Last evaluated: 2025-03-16. Review status: criteria provided, single submitter. Criteria: Ambry Variant Classification Scheme 2023. Collection method: clinical testing. Allele origin: germline.

Department of Genetics, Rouen University Hospital, Normandy Center for Genomic and Personalized Medicine
Classification: Likely benign for Autism spectrum disorder. Last evaluated: 2022-08-05. Review status: criteria provided, single submitter. Criteria: ACMG Guidelines, 2015. Collection method: clinical testing. Allele origin: maternal. Affected: yes.

CeGaT Center for Human Genetics Tuebingen
Classification: Likely benign. Last evaluated: 2022-06-01. Review status: criteria provided, single submitter. Criteria: CeGaT Center For Human Genetics Tuebingen Variant Classification Criteria Version 2. Collection method: clinical testing. Allele origin: germline. Affected: yes. Observed: 1 variant allele.
Comment: ASXL3: BP1